The following is an entry in ClinVar:

ClinVar aggregate classification (germline): Uncertain significance. Review status: criteria provided, multiple submitters, no conflicts (2 of 4 stars). 2 submissions from 2 submitters: Uncertain significance (2). Last evaluated 2025-12-17.

Conditions:
NPHP4-related disorder. Also called: NPHP4-related condition; NPHP4-related disorders. Identifiers: MedGen CN239384.
Nephronophthisis. Also called: Juvenile Nephronophthisis. Identifiers: Orphanet 655, MedGen C0687120, MONDO:0019005, HP:0000090.

Allele frequency attached by ClinVar (database versions not stated): TOPMed below 0.00001; ExAC 0.00001; gnomAD exomes 0.00003.
gnomAD v4.1: 44 of 1,613,788 alleles (0.0027%); highest among the groups gnomAD compares: Non-Finnish European, 0.0036%; no homozygotes.

Submissions (2):

PreventionGenetics, part of Exact Sciences
Classification: Uncertain significance for NPHP4-related condition. Last evaluated: 2025-12-17. Review status: criteria provided, single submitter. Criteria: ACMG Guidelines, 2015. Collection method: clinical testing. Allele origin: germline.
Comment: The NPHP4 c.3379C>T variant is predicted to result in the amino acid substitution p.Pro1127Ser. To our knowledge, this variant has not been reported in the literature. This variant is reported in 0.0027% of alleles in individuals of European (Non-Finnish) descent in gnomAD. At this time, the clinical significance of this variant is uncertain due to the absence of conclusive functional and genetic evidence.

Labcorp Genetics (formerly Invitae), Labcorp
Classification: Uncertain significance for Nephronophthisis. Last evaluated: 2024-02-17. Review status: criteria provided, single submitter. Criteria: Invitae Variant Classification Sherloc (09022015). Collection method: clinical testing. Allele origin: germline.
Comment: This sequence change replaces proline, which is neutral and non-polar, with serine, which is neutral and polar, at codon 1127 of the NPHP4 protein (p.Pro1127Ser). This variant is present in population databases (rs779796359, gnomAD 0.003%). This variant has not been reported in the literature in individuals affected with NPHP4-related conditions. ClinVar contains an entry for this variant (Variation ID: 2157884). Advanced modeling of protein sequence and biophysical properties (such as structural, functional, and spatial information, amino acid conservation, physicochemical variation, residue mobility, and thermodynamic stability) performed at Invitae indicates that this missense variant is expected to disrupt NPHP4 protein function with a positive predictive value of 80%. In summary, the available evidence is currently insufficient to determine the role of this variant in disease. Therefore, it has been classified as a Variant of Uncertain Significance.

NM_015102.5(NPHP4):c.3379C>T (p.Pro1127Ser)

Gene: NPHP4 (nephrocystin 4; minus strand). Cytogenetic location: 1p36.31.
Variant type: single nucleotide variant.
Coding change: c.3379C>T on transcript NM_015102.5 (MANE Select); coding-DNA position 3379, C replaced by T.
Protein change: p.Pro1127Ser; replaces proline 1127 with serine.
Molecular consequence: missense variant. On other transcripts: non-coding transcript variant (1).
Genome position (GRCh38, 1-based): chr1:5,867,833, G>A on the plus strand (C>T on the coding strand, the complement: NPHP4 is on the minus strand). VCF-style: chr1-5867833-G-A. GRCh37 (hg19) VCF-style: chr1-5927893-G-A.
Other names: c.1840C>T, p.Pro614Ser (NM_001291593.2); c.1843C>T, p.Pro615Ser (NM_001291594.2); c.3379C>T (NM_015102.4); short protein forms P615S, P1127S, P614S.
Identifiers: ClinVar variation 2157884 (VCV002157884.5), dbSNP rs779796359, ClinGen allele CA553634.
Genomic context (GRCh38, chr1:5,867,833, plus strand): 5'-CCTTCTTCAGGAAGGAGAGCTCCGGGTGATAGAAGCGGAAGACCTGGTCCACCACGTGGG[G>A]CTGCAGCTCCACAGTCAGGCAGAGCACGGCGATGGGCTTGCCACCACTCGCTCGGAACAA-3'
Protein context (NP_055917.1, residues 1117-1137): AVLCLTVELQ[Pro1127Ser]HVVDQVFRFY